The following is an entry in ClinVar:

ClinVar aggregate classification (germline): Uncertain significance (1 of 4 stars; one submission).

Allele frequency attached by ClinVar (database versions not stated): gnomAD exomes below 0.00001.
gnomAD v4.1: 2 of 1,612,686 alleles (0.00012%); highest among the groups gnomAD compares: Non-Finnish European, 0.000085%; no homozygotes.

Submission:

Ambry Genetics
Classification: Uncertain significance. Last evaluated: 2021-07-16. Review status: criteria provided, single submitter. Criteria: Ambry Variant Classification Scheme 2023. Collection method: clinical testing. Allele origin: germline.
Comment: The p.Y1062C variant (also known as c.3185A>G), located in coding exon 25 of the BUB1 gene, results from an A to G substitution at nucleotide position 3185. The tyrosine at codon 1062 is replaced by cysteine, an amino acid with highly dissimilar properties. This amino acid position is conserved. In addition, the in silico prediction for this alteration is inconclusive. Since supporting evidence is limited at this time, the clinical significance of this alteration remains unclear.

NM_004336.5(BUB1):c.3185A>G (p.Tyr1062Cys)

Gene: BUB1 (BUB1 mitotic checkpoint serine/threonine kinase; minus strand). Cytogenetic location: 2q13.
Variant type: single nucleotide variant.
Coding change: c.3185A>G on transcript NM_004336.5 (MANE Select); coding-DNA position 3185, A replaced by G.
Protein change: p.Tyr1062Cys; replaces tyrosine 1062 with cysteine.
Molecular consequence: missense variant.
Genome position (GRCh38, 1-based): chr2:110,638,037, T>C on the plus strand (A>G on the coding strand, the complement: BUB1 is on the minus strand). VCF-style: chr2-110638037-T-C. GRCh37 (hg19) VCF-style: chr2-111395614-T-C.
Other names: c.3014A>G, p.Tyr1005Cys (NM_001278617.2); c.3125A>G, p.Tyr1042Cys (NM_001278616.2); short protein forms Y1005C, Y1062C, Y1042C.
Identifiers: ClinVar variation 1728575 (VCV001728575.2), dbSNP rs2467963330, ClinGen allele CA348088353.
Genomic context (GRCh38, chr2:110,638,037, plus strand): 5'-CGCTTACATTCTAAGAGCAGTACAATTAGCCTATTACGTAGGGCCCTAATCTTGTTAGTA[T>C]AGTGTTGTTGAAATACTTTCTTCAGCTTTTGCCTTAACAAATCCAAAGATGGAAGATGAT-3'
Protein context (NP_004327.1, residues 1052-1072): QKLKKVFQQH[Tyr1062Cys]TNKIRALRNR